The following is an entry in ClinVar:

ClinVar aggregate classification (germline): Uncertain significance. Review status: criteria provided, multiple submitters, no conflicts (2 of 4 stars). 3 submissions from 3 submitters: Uncertain significance (3). Last evaluated 2026-02-06.

Conditions:
Idiopathic Pulmonary Fibrosis. Also called: Idiopathic fibrosing alveolitis, chronic form; idiopathic fibrosing alveolitis. Identifiers: Orphanet 2032, MedGen C1800706, MeSH D054990, MONDO:0800504.
Dyskeratosis congenita, autosomal dominant 2. Identifiers: MedGen C3151443, MONDO:0013521, OMIM 613989.
Dyskeratosis congenita. Identifiers: Orphanet 1775, MedGen C0265965, MONDO:0015780.

Allele frequency attached by ClinVar (database versions not stated): gnomAD exomes below 0.00001.
gnomAD v4.1: 4 of 1,550,994 alleles (0.00026%); highest among the groups gnomAD compares: Non-Finnish European, 0.00035%; no homozygotes.

Submissions (3):

Ambry Genetics
Classification: Uncertain significance for Dyskeratosis congenita. Last evaluated: 2026-02-06. Review status: criteria provided, single submitter. Criteria: Ambry Variant Classification Scheme 2023. Collection method: clinical testing. Allele origin: germline.
Comment: The p.V664M variant (also known as c.1990G>A), located in coding exon 5 of the TERT gene, results from a G to A substitution at nucleotide position 1990. The valine at codon 664 is replaced by methionine, an amino acid with highly similar properties. This variant was reported in individual(s) with features consistent with TERT-related disorder, including bone marrow failure (G&aacute;lvez E et al. Hemasphere, 2021 Apr;5:e539). This amino acid position is well conserved in available vertebrate species. In addition, the in silico prediction for this alteration is inconclusive. Based on the available evidence, the clinical significance of this variant remains unclear.

Labcorp Genetics (formerly Invitae), Labcorp
Classification: Uncertain significance for Dyskeratosis congenita, autosomal dominant 2; Idiopathic Pulmonary Fibrosis. Last evaluated: 2025-05-22. Review status: criteria provided, single submitter. Criteria: Invitae Variant Classification Sherloc (09022015). Collection method: clinical testing. Allele origin: germline.
Comment: This sequence change replaces valine, which is neutral and non-polar, with methionine, which is neutral and non-polar, at codon 664 of the TERT protein (p.Val664Met). The frequency data for this variant in the population databases is considered unreliable, as metrics indicate poor data quality at this position in the gnomAD database. This missense change has been observed in individual(s) with clinical features of Hoyeraal Hreidarsson syndrome (PMID: 27159321, 33718801). ClinVar contains an entry for this variant (Variation ID: 431836). Invitae Evidence Modeling of protein sequence and biophysical properties (such as structural, functional, and spatial information, amino acid conservation, physicochemical variation, residue mobility, and thermodynamic stability) indicates that this missense variant is expected to disrupt TERT protein function with a positive predictive value of 95%. In summary, the available evidence is currently insufficient to determine the role of this variant in disease. Therefore, it has been classified as a Variant of Uncertain Significance.

GeneDx
Classification: Uncertain significance. Last evaluated: 2024-04-11. Review status: criteria provided, single submitter. Criteria: GeneDx Variant Classification Process June 2021. Collection method: clinical testing. Allele origin: germline. Affected: yes.
Comment: Has been reported previously in an individual in association with dyskeratosis congenita in the literature who also harbored a second de novo variant in this gene (PMID: 27159321); Not observed at significant frequency in large population cohorts (gnomAD); In silico analysis indicates that this missense variant does not alter protein structure/function; This variant is associated with the following publications: (PMID: 33718801, 27159321)

Literature cited by the submitters: PubMed 27159321 (cited by Ambry Genetics and Labcorp Genetics (formerly Invitae), Labcorp); PubMed 33718801 (cited by Ambry Genetics and Labcorp Genetics (formerly Invitae), Labcorp); PubMed 39279213 (cited by Ambry Genetics).

NM_198253.3(TERT):c.1990G>A (p.Val664Met)

Gene: TERT (telomerase reverse transcriptase; minus strand). Cytogenetic location: 5p15.33.
Variant type: single nucleotide variant.
Coding change: c.1990G>A on transcript NM_198253.3 (MANE Select); coding-DNA position 1990, G replaced by A.
Protein change: p.Val664Met; replaces valine 664 with methionine.
Molecular consequence: missense variant. On other transcripts: non-coding transcript variant (2).
Genome position (GRCh38, 1-based): chr5:1,279,431, C>T on the plus strand (G>A on the coding strand, the complement: TERT is on the minus strand). VCF-style: chr5-1279431-C-T. GRCh37 (hg19) VCF-style: chr5-1279546-C-T.
Other names: c.1990G>A, p.Val664Met (NM_001193376.3); short protein forms V664M.
Identifiers: ClinVar variation 431836 (VCV000431836.7), dbSNP rs797046042, ClinGen allele CA112949588.